The following is an entry in ClinVar:

NM_001853.4(COL9A3):c.1427C>G (p.Pro476Arg)

Genes: COL9A3 (collagen type IX alpha 3 chain; plus strand), LOC126863084 (MED14-independent group 3 enhancer GRCh37_chr20:61467141-61468340; plus strand). Cytogenetic location: 20q13.33.
Variant type: single nucleotide variant.
Coding change: c.1427C>G on transcript NM_001853.4 (MANE Select); coding-DNA position 1427, C replaced by G.
Protein change: p.Pro476Arg; replaces proline 476 with arginine.
Molecular consequence: missense variant.
Genome position (GRCh38, 1-based): chr20:62,836,212, C>G. VCF-style: chr20-62836212-C-G. GRCh37 (hg19) VCF-style: chr20-61467564-C-G.
Other names: p.Pro476Arg; c.1427C>G, p.Pro476Arg (LRG_1253t1); short protein forms P476R.
Identifiers: ClinVar variation 258409 (VCV000258409.47), dbSNP rs142066316, ClinGen allele CA9949981.
Genomic context (GRCh38, chr20:62,836,212, plus strand): 5'-TCGCCCCTGACCCACCTTCCTCTGTTCCTCTGCAGTCTGGCAGTCGAGGGGAGCTGGGCC[C>G]CAAAGGCACCCAGGGTCCCAACGGCACCAGCGGTGTTCAGGGTGTCCCCGGGCCCCCCGG-3'
Protein context (NP_001844.3, residues 466-486): GESGSRGELG[Pro476Arg]KGTQGPNGTS

ClinVar aggregate classification (germline): Benign/Likely benign. Review status: criteria provided, multiple submitters, no conflicts (2 of 4 stars). 10 submissions from 10 submitters: Benign (3); Likely benign (7). Last evaluated 2026-08-01.

Conditions:
Connective tissue disorder. Also called: Connective tissue disease. Identifiers: MedGen C0009782, MONDO:0003900.

Allele frequency attached by ClinVar (database versions not stated): 1000 Genomes Project 30x 0.00141; 1000 Genomes Project 0.00160; gnomAD 0.00261 and 0.00306; ESP Exome Variant Server 0.00300; TOPMed 0.00314.
gnomAD v4.1: 6,572 of 1,613,544 alleles (0.41%); highest among the groups gnomAD compares: Non-Finnish European, 0.52%; 21 homozygotes.

Submissions (10):

CeGaT Center for Human Genetics Tuebingen
Classification: Likely benign. Last evaluated: 2026-08-01. Review status: criteria provided, single submitter. Criteria: CeGaT Center For Human Genetics Tuebingen Variant Classification Criteria Version 2. Collection method: clinical testing. Allele origin: germline. Affected: yes. Observed: 6 variant alleles.
Comment: COL9A3: BS2

Labcorp Genetics (formerly Invitae), Labcorp
Classification: Likely benign. Last evaluated: 2026-02-02. Review status: criteria provided, single submitter. Criteria: Invitae Variant Classification Sherloc (09022015). Collection method: clinical testing. Allele origin: germline.

Mayo Clinic Laboratories, Mayo Clinic
Classification: Likely benign. Last evaluated: 2025-09-09. Review status: criteria provided, single submitter. Criteria: ACMG Guidelines, 2015. Collection method: clinical testing. Allele origin: germline. Observed: 2 variant alleles.
Comment: BS1

Blueprint Genetics
Classification: Likely benign. Last evaluated: 2024-11-22. Review status: criteria provided, single submitter. Criteria: ACMG Guidelines, 2015. Collection method: clinical testing. Allele origin: germline.

ARUP Laboratories, Molecular Genetics and Genomics, ARUP Laboratories
Classification: Likely benign. Last evaluated: 2023-11-09. Review status: criteria provided, single submitter. Criteria: ARUP Molecular Germline Variant Investigation Process 2024. Collection method: clinical testing. Allele origin: germline.

Genome Diagnostics Laboratory, The Hospital for Sick Children
Classification: Benign for Connective tissue disorder. Last evaluated: 2021-03-07. Review status: criteria provided, single submitter. Criteria: ACMG Guidelines, 2015. Collection method: clinical testing. Allele origin: germline.

GeneDx
Classification: Likely benign. Last evaluated: 2020-11-05. Review status: criteria provided, single submitter. Criteria: GeneDx Variant Classification Process June 2021. Collection method: clinical testing. Allele origin: germline. Affected: yes.
Comment: This variant is associated with the following publications: (PMID: 30467950)

Athena Diagnostics
Classification: Benign. Last evaluated: 2019-06-07. Review status: criteria provided, single submitter. Criteria: Athena Diagnostics Criteria. Collection method: clinical testing. Allele origin: germline.

Eurofins Ntd Llc (ga)
Classification: Likely benign. Last evaluated: 2017-07-26. Review status: criteria provided, single submitter. Criteria: EGL Classification Definitions 2015. Collection method: clinical testing. Allele origin: germline. Observed: 1 variant allele, 1 heterozygote.

PreventionGenetics, part of Exact Sciences
Classification: Benign. Review status: criteria provided, single submitter. Criteria: ACMG Guidelines, 2015. Collection method: clinical testing. Allele origin: germline.

Literature cited by the submitters: PubMed 22343411 (cited by Mayo Clinic Laboratories, Mayo Clinic).